The following is an entry in ClinVar:

NM_016120.4(RLIM):c.1442C>G (p.Ser481Cys)

Gene: RLIM (ring finger protein, LIM domain interacting; minus strand). Cytogenetic location: Xq13.2.
Variant type: single nucleotide variant.
Coding change: c.1442C>G on transcript NM_016120.4 (MANE Select); coding-DNA position 1442, C replaced by G.
Protein change: p.Ser481Cys; replaces serine 481 with cysteine.
Molecular consequence: missense variant.
Genome position (GRCh38, 1-based): chrX:74,591,873, G>C on the plus strand (C>G on the coding strand, the complement: RLIM is on the minus strand). VCF-style: chrX-74591873-G-C. GRCh37 (hg19) VCF-style: chrX-73811708-G-C.
Other names: c.1442C>G, p.Ser481Cys (NM_183353.3); short protein forms S481C.
Identifiers: ClinVar variation 4879254 (VCV004879254.1).
Genomic context (GRCh38, chrX:74,591,873, plus strand): 5'-GAGCTTCCTTCATTACTGCCTTCAAATAAATCTGAGCTAGTTTCTGAACTTTCACCACCG[G>C]AACTGGAACTAGGACTGGAACTGGAACTTGAACTGGAACTGGAACTCGAACTGGAACTGG-3'
Protein context (NP_057204.2, residues 471-491): SSSSSSPSSS[Ser481Cys]GGESSETSSD

ClinVar aggregate classification (germline): Uncertain significance (1 of 4 stars; one submission).

Conditions:
Intellectual disability, X-linked 61 (TOKAS). Also called: TONNE-KALSCHEUER SYNDROME. Identifiers: MedGen C4283894, MONDO:0010506, OMIM 300978.

Submission:

Clinical Genomics Laboratory, Washington University in St. Louis
Classification: Uncertain significance for Intellectual disability, X-linked 61. Last evaluated: 2026-03-19. Review status: criteria provided, single submitter. Criteria: ACMG Guidelines, 2015. Collection method: clinical testing. Allele origin: germline.
Comment: The RLIM c.1442C>G (p.Ser481Cys) variant, to our knowledge, has not been reported in the medical literature and is absent from the general population (gnomAD v2.1.1), indicating it is not a common variant. Computational predictors are uncertain as to the impact of this variant on RLIM function. Due to limited information, and based on ACMG/AMP guidelines for variant interpretation (Richards S et al., PMID: 25741868), the clinical significance of this variant is uncertain at this time.